The following is an entry in ClinVar:

ClinVar aggregate classification (germline): Likely benign. Review status: criteria provided, multiple submitters, no conflicts (2 of 4 stars). 2 submissions from 2 submitters: Likely benign (2). Last evaluated 2026-09-01.

Allele frequency attached by ClinVar (database versions not stated): TOPMed below 0.00001; gnomAD exomes 0.00001; ExAC 0.00003.
gnomAD v4.1: 3 of 1,211,687 alleles (0.00025%); highest among the groups gnomAD compares: Admixed American, 0.0065%; no homozygotes.

Submissions (2):

CeGaT Center for Human Genetics Tuebingen
Classification: Likely benign. Last evaluated: 2026-09-01. Review status: criteria provided, single submitter. Criteria: CeGaT Center For Human Genetics Tuebingen Variant Classification Criteria Version 2. Collection method: clinical testing. Allele origin: germline. Affected: yes. Observed: 1 variant allele.
Comment: BCAP31: BP4, BP7

Labcorp Genetics (formerly Invitae), Labcorp
Classification: Likely benign. Last evaluated: 2025-04-27. Review status: criteria provided, single submitter. Criteria: Invitae Variant Classification Sherloc (09022015). Collection method: clinical testing. Allele origin: germline.

NM_001256447.2(BCAP31):c.171C>T (p.Val57=)

Gene: BCAP31 (B cell receptor associated protein 31; minus strand). Cytogenetic location: Xq28.
Variant type: single nucleotide variant.
Coding change: c.171C>T on transcript NM_001256447.2 (MANE Select); coding-DNA position 171, C replaced by T.
Protein change: p.Val57=; no amino-acid change (valine 57 retained).
Molecular consequence: synonymous variant.
Genome position (GRCh38, 1-based): chrX:153,720,894, G>A on the plus strand (C>T on the coding strand, the complement: BCAP31 is on the minus strand). VCF-style: chrX-153720894-G-A. GRCh37 (hg19) VCF-style: chrX-152986349-G-A.
Other names: c.171C>T, p.Val57= (NM_001139441.1, NM_005745.8); c.372C>T, p.Val124= (NM_001139457.2).
Identifiers: ClinVar variation 1923760 (VCV001923760.6), dbSNP rs782346841, ClinGen allele CA10549826.
Genomic context (GRCh38, chrX:153,720,894, plus strand): 5'-CTAGGTCAGGTAGCTGCCCTCAGCCATAGCTCACTCACCGATGACCAACAGCACAAGGAT[G>A]ACAATGAGAACCACAAAGAAGGTGTTGCCATAGGACACTAACAACTCCACCAGCCGGGAC-3'
Protein context (NP_001243376.1, residues 47-67): YGNTFFVVLI[Val57=]ILVLLVIDAV